The following is an entry in ClinVar:

ClinVar aggregate classification (germline): Uncertain significance (1 of 4 stars; one submission).

Submission:

GeneDx
Classification: Uncertain significance. Last evaluated: 2022-01-04. Review status: criteria provided, single submitter. Criteria: GeneDx Variant Classification Process June 2021. Collection method: clinical testing. Allele origin: germline. Affected: yes.
Comment: Not observed at significant frequency in large population cohorts (gnomAD); In silico analysis supports that this missense variant has a deleterious effect on protein structure/function; Has not been previously published as pathogenic or benign to our knowledge; Variants in candidate genes are classified as variants of uncertain significance in accordance with ACMG guidelines (Richards et al., 2015)

NM_012247.5(SEPHS1):c.454G>A (p.Ala152Thr)

Gene: SEPHS1 (selenophosphate synthetase 1; minus strand). Cytogenetic location: 10p13.
Variant type: single nucleotide variant.
Coding change: c.454G>A on transcript NM_012247.5 (MANE Select); coding-DNA position 454, G replaced by A.
Protein change: p.Ala152Thr; replaces alanine 152 with threonine.
Molecular consequence: missense variant. On other transcripts: non-coding transcript variant (1).
Genome position (GRCh38, 1-based): chr10:13,333,923, C>T on the plus strand (G>A on the coding strand, the complement: SEPHS1 is on the minus strand). VCF-style: chr10-13333923-C-T. GRCh37 (hg19) VCF-style: chr10-13375923-C-T.
Other names: c.253G>A, p.Ala85Thr (NM_001195602.2); c.454G>A, p.Ala152Thr (NM_001195604.2, NM_001375769.1); short protein forms A152T, A85T.
Identifiers: ClinVar variation 3342349 (VCV003342349.1).
Genomic context (GRCh38, chr10:13,333,923, plus strand): 5'-GGACAATCCAGGGGTTTAGTACTGTTTGGCCGCCTGTTACAGATGTTCCTGCTTCCTCAG[C>T]TGCGTCTTTAAAACCTTGGATAATCAGAGGCATCACTTTATCCCTTTCCTAAGGTTGAAA-3'
Protein context (NP_036379.2, residues 142-162): PLIIQGFKDA[Ala152Thr]EEAGTSVTGG